The following is an entry in ClinVar:

ClinVar aggregate classification (germline): Benign/Likely benign. Review status: criteria provided, multiple submitters, no conflicts (2 of 4 stars). 6 submissions from 6 submitters: Benign (1); Likely benign (4). 1 of the submissions does not count toward it. Last evaluated 2026-01-08.

Conditions:
OTOG-related disorder. Also called: OTOG-related condition.

Allele frequency attached by ClinVar (database versions not stated): ExAC 0.00046; gnomAD exomes 0.00056; gnomAD 0.00315; TOPMed 0.00374; 1000 Genomes Project 0.00379; 1000 Genomes Project 30x 0.00500.
gnomAD v4.1: 855 of 1,551,036 alleles (0.055%); highest among the groups gnomAD compares: African/African-American, 1.1%; 4 homozygotes.

Submissions (6):

Labcorp Genetics (formerly Invitae), Labcorp
Classification: Benign. Last evaluated: 2026-01-08. Review status: criteria provided, single submitter. Criteria: Invitae Variant Classification Sherloc (09022015). Collection method: clinical testing. Allele origin: germline.

Blueprint Genetics
Classification: Likely benign. Last evaluated: 2024-10-22. Review status: criteria provided, single submitter. Criteria: ACMG Guidelines, 2015. Collection method: clinical testing. Allele origin: germline.

GeneDx
Classification: Likely benign. Last evaluated: 2021-01-18. Review status: criteria provided, single submitter. Criteria: GeneDx Variant Classification Process June 2021. Collection method: clinical testing. Allele origin: germline. Affected: yes.

Laboratory for Molecular Medicine, Mass General Brigham Personalized Medicine
Classification: Likely benign. Last evaluated: 2015-07-16. Review status: criteria provided, single submitter. Criteria: LMM Criteria. Collection method: clinical testing. Allele origin: germline. Observed: 2 variant alleles.
Comment: p.Glu225Asp in exon 6 of OTOG: This variant is not expected to have clinical sig nificance because it is has been identified in 0.7% (8/1100) of African chromoso mes by the Exome Aggregation Consortium (ExAC; d bSNP rs61736015) and 2.1% (19/908) of African chromosomes from the 1000 Genomes Project .

Breakthrough Genomics
Classification: Likely benign. Review status: criteria provided, single submitter. Criteria: ACMG Guidelines, 2015. Collection method: not provided. Allele origin: germline. Inheritance: Autosomal recessive inheritance. Affected: yes.

PreventionGenetics, part of Exact Sciences
Classification: Benign for OTOG-related condition. Last evaluated: 2024-06-06. Review status: no assertion criteria provided. Collection method: clinical testing. Allele origin: germline. Not counted in ClinVar's aggregate classification.
Comment: This variant is classified as benign based on ACMG/AMP sequence variant interpretation guidelines (Richards et al. 2015 PMID: 25741868, with internal and published modifications).

NM_001292063.2(OTOG):c.639G>T (p.Glu213Asp)

Gene: OTOG (otogelin; plus strand). Cytogenetic location: 11p15.1.
Variant type: single nucleotide variant.
Coding change: c.639G>T on transcript NM_001292063.2 (MANE Select); coding-DNA position 639, G replaced by T.
Protein change: p.Glu213Asp; replaces glutamic acid 213 with aspartic acid.
Molecular consequence: missense variant.
Genome position (GRCh38, 1-based): chr11:17,555,877, G>T. VCF-style: chr11-17555877-G-T. GRCh37 (hg19) VCF-style: chr11-17577424-G-T.
Other names: c.675G>T, p.Glu225Asp (NM_001277269.2); short protein forms E225D, E213D.
Identifiers: ClinVar variation 227791 (VCV000227791.20), dbSNP rs61736015, ClinGen allele CA5905384.